The following is an entry in ClinVar:

ClinVar aggregate classification (germline): Uncertain significance (1 of 4 stars; one submission).

gnomAD v4.1: 1 of 1,613,476 alleles (0.000062%); highest among the groups gnomAD compares: Admixed American, 0.0017%; no homozygotes.

Submission:

CeGaT Center for Human Genetics Tuebingen
Classification: Uncertain significance. Last evaluated: 2025-07-01. Review status: criteria provided, single submitter. Criteria: CeGaT Center For Human Genetics Tuebingen Variant Classification Criteria Version 2. Collection method: clinical testing. Allele origin: germline. Affected: yes. Observed: 1 variant allele.
Comment: SOS1: PM2, PP3

NM_005633.4(SOS1):c.1313G>A (p.Gly438Glu)

Gene: SOS1 (SOS Ras/Rac guanine nucleotide exchange factor 1; minus strand). Cytogenetic location: 2p22.1.
Variant type: single nucleotide variant.
Coding change: c.1313G>A on transcript NM_005633.4 (MANE Select); coding-DNA position 1313, G replaced by A.
Protein change: p.Gly438Glu; replaces glycine 438 with glutamic acid.
Molecular consequence: missense variant.
Genome position (GRCh38, 1-based): chr2:39,023,115, C>T on the plus strand (G>A on the coding strand, the complement: SOS1 is on the minus strand). VCF-style: chr2-39023115-C-T. GRCh37 (hg19) VCF-style: chr2-39250256-C-T.
Other names: c.1292G>A, p.Gly431Glu (NM_001382394.1); c.1313G>A, p.Gly438Glu (NM_001382395.1); short protein forms G431E, G438E.
Identifiers: ClinVar variation 4085276 (VCV004085276.8).